The following is an entry in ClinVar:

ClinVar aggregate classification (germline): Uncertain significance (1 of 4 stars; one submission).

Conditions:
Inborn genetic diseases. Identifiers: MedGen C0950123, MeSH D030342.

Submission:

Ambry Genetics
Classification: Uncertain significance for Inborn genetic diseases. Last evaluated: 2026-04-02. Review status: criteria provided, single submitter. Criteria: Ambry Variant Classification Scheme 2023. Collection method: clinical testing. Allele origin: germline.
Comment: The p.T416I variant (also known as c.1247C>T), located in coding exon 10 of the CEP57 gene, results from a C to T substitution at nucleotide position 1247. The threonine at codon 416 is replaced by isoleucine, an amino acid with similar properties. This amino acid position is conserved. In addition, this alteration is predicted to be tolerated by in silico analysis. Based on the available evidence, the clinical significance of this variant remains unclear.

NM_014679.5(CEP57):c.1247C>T (p.Thr416Ile)

Gene: CEP57 (centrosomal protein 57; plus strand). Cytogenetic location: 11q21.
Variant type: single nucleotide variant.
Coding change: c.1247C>T on transcript NM_014679.5 (MANE Select); coding-DNA position 1247, C replaced by T.
Protein change: p.Thr416Ile; replaces threonine 416 with isoleucine.
Molecular consequence: missense variant.
Genome position (GRCh38, 1-based): chr11:95,829,306, C>T. VCF-style: chr11-95829306-C-T. GRCh37 (hg19) VCF-style: chr11-95562470-C-T.
Other names: c.1061C>T, p.Thr354Ile (NM_001440874.1); c.1058C>T, p.Thr353Ile (NM_001440875.1); c.1052C>T, p.Thr351Ile (NM_001440876.1); c.1049C>T, p.Thr350Ile (NM_001440877.1, NM_001440878.1); c.1022C>T, p.Thr341Ile (NM_001440879.1); c.986C>T, p.Thr329Ile (NM_001440880.1); c.950C>T, p.Thr317Ile (NM_001440881.1); c.944C>T, p.Thr315Ile (NM_001440882.1); and 6 more; short protein forms T315I, T317I, T329I, T341I, T350I, T351I, T353I, T354I.
Identifiers: ClinVar variation 4868746 (VCV004868746.1).